The following is an entry in ClinVar:

ClinVar aggregate classification (germline): Uncertain significance (1 of 4 stars; one submission).

Conditions:
Familial cancer of breast. Also called: BREAST CANCER, FAMILIAL; Hereditary breast cancer; hereditary breast carcinoma. Identifiers: Orphanet 227535, MedGen C0346153, MONDO:0016419, OMIM 114480. Disease mechanism: loss of function.

Submission:

Laboratorio de Genetica e Diagnostico Molecular, Hospital Israelita Albert Einstein
Classification: Uncertain significance for Familial cancer of breast. Last evaluated: 2023-10-27. Review status: criteria provided, single submitter. Criteria: ACMG Guidelines, 2015. Collection method: clinical testing. Allele origin: germline. Affected: yes.
Comment: ACMG classification criteria: PM2 moderate

NM_001142556.2(HMMR):c.1686-7C>T

Genes: HMMR (hyaluronan mediated motility receptor; plus strand), HMMR-AS1 (HMMR antisense RNA 1; minus strand). Cytogenetic location: 5q34.
Variant type: single nucleotide variant.
Coding change: c.1686-7C>T on transcript NM_001142556.2 (MANE Select); 7 bases into the intron before coding-DNA position 1686, C replaced by T.
Molecular consequence: intron variant. On other transcripts: non-coding transcript variant (1).
Genome position (GRCh38, 1-based): chr5:163,483,261, C>T. VCF-style: chr5-163483261-C-T. GRCh37 (hg19) VCF-style: chr5-162910267-C-T.
Other names: c.1683-7C>T (NM_012484.3); c.1638-7C>T (NM_012485.3); c.1425-7C>T (NM_001142557.2).
Identifiers: ClinVar variation 4056727 (VCV004056727.1).
Genomic context (GRCh38, chr5:163,483,261, plus strand): 5'-TGTTAACTCAGTTACGATGTGATTTTTTAAATAACTATGTTTTTCTCAATTTAATTCTTC[C>T]ATGCAGAAAAGCTGAAAAAGAAAATACAACAGCAGAATTAACTGAAGAAATTAACAAGTG-3'